The following is an entry in ClinVar:

NM_144670.6(A2ML1):c.1483G>A (p.Gly495Arg)

Gene: A2ML1 (alpha-2-macroglobulin like 1; plus strand). Cytogenetic location: 12p13.31.
Variant type: single nucleotide variant.
Coding change: c.1483G>A on transcript NM_144670.6 (MANE Select); coding-DNA position 1483, G replaced by A.
Protein change: p.Gly495Arg; replaces glycine 495 with arginine.
Molecular consequence: missense variant.
Genome position (GRCh38, 1-based): chr12:8,845,448, G>A. VCF-style: chr12-8845448-G-A. GRCh37 (hg19) VCF-style: chr12-8998044-G-A.
Other names: c.10G>A, p.Gly4Arg (NM_001282424.3); short protein forms G4R, G495R.
Identifiers: ClinVar variation 2564133 (VCV002564133.2), dbSNP rs1943635880, ClinGen allele CA383826726.
Genomic context (GRCh38, chr12:8,845,448, plus strand): 5'-AAGGTGAAATTACTGTAACTTCTGTGCAGTTGATTCTTTTCTTTTCTTCTTTAGTTAATA[G>A]GGAAAGGAAGTTTGGTGATGGAGGGGCAGAAACACCTGAACTCTAAGAAGAAAGGTGAGT-3'
Protein context (NP_653271.3, residues 485-505): QEISFSYYLI[Gly495Arg]KGSLVMEGQK

ClinVar aggregate classification (germline): Uncertain significance (1 of 4 stars; one submission).

Allele frequency attached by ClinVar (database versions not stated): TOPMed below 0.00001.

Submission:

Ambry Genetics
Classification: Uncertain significance. Last evaluated: 2023-04-13. Review status: criteria provided, single submitter. Criteria: Ambry Variant Classification Scheme 2023. Collection method: clinical testing. Allele origin: germline.
Comment: The p.G495R variant (also known as c.1483G>A), located in coding exon 13 of the A2ML1 gene, results from a G to A substitution at nucleotide position 1483. The glycine at codon 495 is replaced by arginine, an amino acid with dissimilar properties. This amino acid position is conserved. In addition, the in silico prediction for this alteration is inconclusive. Since supporting evidence is limited at this time, the clinical significance of this alteration remains unclear.